The following is an entry in ClinVar:

ClinVar aggregate classification (germline): Likely benign (1 of 4 stars; one submission).

Allele frequency attached by ClinVar (database versions not stated): gnomAD 0.00002; ExAC 0.00004; TOPMed 0.00005; 1000 Genomes Project 30x 0.00031; 1000 Genomes Project 0.00040.
gnomAD v4.1: 40 of 1,609,760 alleles (0.0025%); highest among the groups gnomAD compares: Admixed American, 0.023%; no homozygotes.

Submission:

CeGaT Center for Human Genetics Tuebingen
Classification: Likely benign. Last evaluated: 2023-08-01. Review status: criteria provided, single submitter. Criteria: CeGaT Center For Human Genetics Tuebingen Variant Classification Criteria Version 2. Collection method: clinical testing. Allele origin: germline. Affected: yes. Observed: 1 variant allele.
Comment: NUP188: BP4, BP7

NM_015354.3(NUP188):c.2067C>A (p.Thr689=)

Gene: NUP188 (nucleoporin 188; plus strand). Cytogenetic location: 9q34.11.
Variant type: single nucleotide variant.
Coding change: c.2067C>A on transcript NM_015354.3 (MANE Select); coding-DNA position 2067, C replaced by A.
Protein change: p.Thr689=; no amino-acid change (threonine 689 retained).
Molecular consequence: synonymous variant.
Genome position (GRCh38, 1-based): chr9:128,985,005, C>A. VCF-style: chr9-128985005-C-A. GRCh37 (hg19) VCF-style: chr9-131747284-C-A.
Identifiers: ClinVar variation 2659558 (VCV002659558.24), dbSNP rs201723859, ClinGen allele CA5272538.